The following is an entry in ClinVar:

NM_001035.3(RYR2):c.2719-4T>A

Gene: RYR2 (ryanodine receptor 2; plus strand). Cytogenetic location: 1q43.
Variant type: single nucleotide variant.
Coding change: c.2719-4T>A on transcript NM_001035.3 (MANE Select); 4 bases into the intron before coding-DNA position 2719, T replaced by A.
Molecular consequence: intron variant.
Genome position (GRCh38, 1-based): chr1:237,511,684, T>A. VCF-style: chr1-237511684-T-A. GRCh37 (hg19) VCF-style: chr1-237674984-T-A.
Identifiers: ClinVar variation 43761 (VCV000043761.22), dbSNP rs397516523, ClinGen allele CA008938.

ClinVar aggregate classification (germline): Conflicting classifications of pathogenicity. Review status: criteria provided, conflicting classifications (1 of 4 stars). 6 submissions from 6 submitters: Uncertain significance (1); Likely benign (5). Last evaluated 2026-01-18.

Conditions:
Cardiovascular phenotype. Identifiers: MedGen CN230736.
Cardiomyopathy (CMYO). Also called: Cardiomyopathies. Identifiers: Orphanet 167848, MedGen C0878544, MONDO:0004994, HP:0001638. Inheritance: Various modes of inheritance.
Catecholaminergic polymorphic ventricular tachycardia 1. Also called: VENTRICULAR TACHYCARDIA, STRESS-INDUCED POLYMORPHIC 1; VENTRICULAR TACHYCARDIA, CATECHOLAMINERGIC POLYMORPHIC, 1, WITH OR WITHOUT ATRIAL DYSFUNCTION AND/OR DILATED CARDIOMYOPATHY; RYR2-Related Catecholaminergic Polymorphic Ventricular Tachycardia. Identifiers: Orphanet 3286, MedGen C1631597, MONDO:0011484, OMIM 604772.
Catecholaminergic polymorphic ventricular tachycardia (CVPT). Also called: Catecholamine-induced polymorphic ventricular tachycardia. Identifiers: Orphanet 3286, MedGen C5574922, MONDO:0017990.

Allele frequency attached by ClinVar (database versions not stated): gnomAD 0.00001; TOPMed 0.00001; gnomAD exomes 0.00002 and 0.00008.
gnomAD v4.1: 112 of 1,559,028 alleles (0.0072%); highest among the groups gnomAD compares: Non-Finnish European, 0.0096%; no homozygotes.

Submissions (6):

Labcorp Genetics (formerly Invitae), Labcorp
Classification: Likely benign for Catecholaminergic polymorphic ventricular tachycardia 1. Last evaluated: 2026-01-18. Review status: criteria provided, single submitter. Criteria: Invitae Variant Classification Sherloc (09022015). Collection method: clinical testing. Allele origin: germline.

All of Us Research Program, National Institutes of Health
Classification: Likely benign for Catecholaminergic polymorphic ventricular tachycardia. Last evaluated: 2023-12-13. Review status: criteria provided, single submitter. Criteria: ACMG Guidelines, 2015. Collection method: clinical testing. Allele origin: germline. Inheritance: Autosomal dominant inheritance. Observed: 4 variant alleles, 4 heterozygotes.
Comment: This study involves interpretation of variants in research participants for the purpose of population health screening. Participant phenotype was not available at the time of variant classification. Additional details can be found in publication PMID: 35346344, PMCID: PMC8962531

Ambry Genetics
Classification: Likely benign for Cardiovascular phenotype. Last evaluated: 2022-05-27. Review status: criteria provided, single submitter. Criteria: Ambry Variant Classification Scheme 2023. Collection method: clinical testing. Allele origin: germline.

Color Diagnostics, LLC DBA Color Health
Classification: Likely benign for Cardiomyopathy. Last evaluated: 2021-01-25. Review status: criteria provided, single submitter. Criteria: ACMG Guidelines, 2015. Collection method: clinical testing. Allele origin: germline.

CHEO Genetics Diagnostic Laboratory, Children's Hospital of Eastern Ontario
Classification: Uncertain significance for Cardiomyopathy. Last evaluated: 2016-09-06. Review status: criteria provided, single submitter. Criteria: ACMG Guidelines, 2015. Collection method: clinical testing. Allele origin: germline. Study: Canadian Open Genetics Repository.

Laboratory for Molecular Medicine, Mass General Brigham Personalized Medicine
Classification: Likely benign. Last evaluated: 2012-02-02. Review status: criteria provided, single submitter. Criteria: LMM Criteria. Collection method: clinical testing. Allele origin: germline. Observed: 1 variant allele.
Comment: 2719-4T>A in intron 23 of RYR2: This variant is not expected to have clinical si gnificance because it is not located within the splice consensus sequence. 2719 -4T>A in intron 23 of RYR2 (allele frequency = n/a)